The following is an entry in ClinVar:

NM_005732.4(RAD50):c.2434C>G (p.Gln812Glu)

Gene: RAD50 (RAD50 double strand break repair protein; plus strand). Cytogenetic location: 5q31.1.
Variant type: single nucleotide variant.
Coding change: c.2434C>G on transcript NM_005732.4 (MANE Select); coding-DNA position 2434, C replaced by G.
Protein change: p.Gln812Glu; replaces glutamine 812 with glutamic acid.
Molecular consequence: missense variant.
Genome position (GRCh38, 1-based): chr5:132,603,956, C>G. VCF-style: chr5-132603956-C-G. GRCh37 (hg19) VCF-style: chr5-131939648-C-G.
Other names: short protein forms Q812E.
Identifiers: ClinVar variation 821270 (VCV000821270.4), dbSNP rs1581001457, ClinGen allele CA360955471.

ClinVar aggregate classification (germline): Uncertain significance (1 of 4 stars; one submission).

Conditions:
Hereditary cancer-predisposing syndrome. Also called: Neoplastic Syndromes, Hereditary; Tumor predisposition; Hereditary Cancer Syndrome; Hereditary neoplastic syndrome. Identifiers: Orphanet 140162, MedGen C0027672, MeSH D009386, MONDO:0015356.

Submission:

Ambry Genetics
Classification: Uncertain significance for Hereditary cancer-predisposing syndrome. Last evaluated: 2019-02-14. Review status: criteria provided, single submitter. Criteria: Ambry Variant Classification Scheme 2023. Collection method: clinical testing. Allele origin: germline.
Comment: The p.Q812E variant (also known as c.2434C>G), located in coding exon 15 of the RAD50 gene, results from a C to G substitution at nucleotide position 2434. The glutamine at codon 812 is replaced by glutamic acid, an amino acid with highly similar properties. This amino acid position is well conserved in available vertebrate species. In addition, this alteration is predicted to be tolerated by in silico analysis. Since supporting evidence is limited at this time, the clinical significance of this alteration remains unclear.